The following is an entry in ClinVar:

NM_000092.5(COL4A4):c.4175G>A (p.Gly1392Glu)

Gene: COL4A4 (collagen type IV alpha 4 chain; minus strand). Cytogenetic location: 2q36.3.
Variant type: single nucleotide variant.
Coding change: c.4175G>A on transcript NM_000092.5 (MANE Select); coding-DNA position 4175, G replaced by A.
Protein change: p.Gly1392Glu; replaces glycine 1392 with glutamic acid.
Molecular consequence: missense variant.
Genome position (GRCh38, 1-based): chr2:227,022,089, C>T on the plus strand (G>A on the coding strand, the complement: COL4A4 is on the minus strand). VCF-style: chr2-227022089-C-T. GRCh37 (hg19) VCF-style: chr2-227886805-C-T.
Other names: short protein forms G1392E.
Identifiers: ClinVar variation 3336493 (VCV003336493.1).

ClinVar aggregate classification (germline): Uncertain significance (1 of 4 stars; one submission).

Submission:

Women's Health and Genetics/Laboratory Corporation of America, LabCorp
Classification: Uncertain significance. Last evaluated: 2024-05-20. Review status: criteria provided, single submitter. Criteria: LabCorp Variant Classification Summary - May 2015. Collection method: clinical testing. Allele origin: germline.
Comment: Variant summary: COL4A4 c.4175G>A (p.Gly1392Glu) results in a non-conservative amino acid change in the encoded protein sequence. Five of five in-silico tools predict a damaging effect of the variant on protein function. The variant was absent in 249434 control chromosomes. The available data on variant occurrences in the general population are insufficient to allow any conclusion about variant significance. To our knowledge, no occurrence of c.4175G>A in individuals affected with Alport Syndrome and no experimental evidence demonstrating its impact on protein function have been reported. No submitters have cited clinical-significance assessments for this variant to ClinVar. Based on the evidence outlined above, the variant was classified as uncertain significance.